The following is an entry in ClinVar:

ClinVar aggregate classification (germline): Uncertain significance (1 of 4 stars; one submission).

Conditions:
Arrhythmogenic right ventricular dysplasia 12. Also called: ARRHYTHMOGENIC RIGHT VENTRICULAR DYSPLASIA, FAMILIAL, 12. Identifiers: MedGen C1969081, MONDO:0012684, OMIM 611528.
Naxos disease (NXD). Also called: WOOLLY HAIR, PALMOPLANTAR KERATODERMA, AND CARDIAC ABNORMALITIES; CARDIOMYOPATHY, ARRHYTHMOGENIC RIGHT VENTRICULAR, WITH SKIN, HAIR, AND NAIL ABNORMALITIES; KERATOSIS PALMOPLANTARIS WITH ARRHYTHMOGENIC CARDIOMYOPATHY; MAL DE NAXOS; PALMOPLANTAR KERATODERMA WITH ARRHYTHMOGENIC RIGHT VENTRICULAR CARDIOMYOPATHY AND WOOLLY HAIR. Identifiers: Orphanet 34217, MedGen C1832600, MONDO:0011017, OMIM 601214.

Submission:

Labcorp Genetics (formerly Invitae), Labcorp
Classification: Uncertain significance for Arrhythmogenic right ventricular dysplasia 12; Naxos disease. Last evaluated: 2023-12-06. Review status: criteria provided, single submitter. Criteria: Invitae Variant Classification Sherloc (09022015). Collection method: clinical testing. Allele origin: germline.
Comment: This sequence change replaces histidine, which is basic and polar, with glutamine, which is neutral and polar, at codon 440 of the JUP protein (p.His440Gln). This variant is not present in population databases (gnomAD no frequency). This variant has not been reported in the literature in individuals affected with JUP-related conditions. An algorithm developed to predict the effect of missense changes on protein structure and function (PolyPhen-2) suggests that this variant is likely to be tolerated. In summary, the available evidence is currently insufficient to determine the role of this variant in disease. Therefore, it has been classified as a Variant of Uncertain Significance.

NM_002230.4(JUP):c.1320T>A (p.His440Gln)

Gene: JUP (junction plakoglobin; minus strand). Cytogenetic location: 17q21.2.
Variant type: single nucleotide variant.
Coding change: c.1320T>A on transcript NM_002230.4 (MANE Select); coding-DNA position 1320, T replaced by A.
Protein change: p.His440Gln; replaces histidine 440 with glutamine.
Molecular consequence: missense variant.
Genome position (GRCh38, 1-based): chr17:41,763,160, A>T on the plus strand (T>A on the coding strand, the complement: JUP is on the minus strand). VCF-style: chr17-41763160-A-T. GRCh37 (hg19) VCF-style: chr17-39919412-A-T.
Other names: c.1320T>A, p.His440Gln (NM_001352773.2, NM_001352774.2, NM_001352775.2 and 3 more transcripts); short protein forms H440Q.
Identifiers: ClinVar variation 2954473 (VCV002954473.3), dbSNP rs2544108646, ClinGen allele CA399497138.